The following is an entry in ClinVar:

NM_002019.4(FLT1):c.2901G>A (p.Ala967=)

Genes: FLT1 (fms related receptor tyrosine kinase 1; minus strand), LOC126861720 (BRD4-independent group 4 enhancer GRCh37_chr13:28896366-28897565; plus strand). Cytogenetic location: 13q12.3.
Variant type: single nucleotide variant.
Coding change: c.2901G>A on transcript NM_002019.4 (MANE Select); coding-DNA position 2901, G replaced by A.
Protein change: p.Ala967=; no amino-acid change (alanine 967 retained).
Molecular consequence: synonymous variant.
Genome position (GRCh38, 1-based): chr13:28,322,842, C>T on the plus strand (G>A on the coding strand, the complement: FLT1 is on the minus strand). VCF-style: chr13-28322842-C-T. GRCh37 (hg19) VCF-style: chr13-28896979-C-T.
Identifiers: ClinVar variation 162078 (VCV000162078.2), dbSNP rs56314249, ClinGen allele CA251199.
Genomic context (GRCh38, chr13:28,322,842, plus strand): 5'-ATACCTACCCTCCTCTTCCTCAACATCACTCAGACTTTTATCTTCCTGAAAGCCGGAGCT[C>T]GCAAAGCTTTCGCTGCTGGTGACGCTATCTAGTCTTGGTTTCTTGCCTTGTTCCAGGCCT-3'
Protein context (NP_002010.2, residues 957-977): LDSVTSSESF[Ala967=]SSGFQEDKSL

ClinVar aggregate classification (germline): not provided (0 of 4 stars; one submission).

Conditions:
Carcinoma of colon (CRC). Also called: Colonic carcinoma; Colon carcinoma. Identifiers: MedGen C0699790, MONDO:0002032.

Allele frequency attached by ClinVar (database versions not stated): ExAC 0.04992; ESP Exome Variant Server 0.02084; TOPMed 0.04238; 1000 Genomes Project 30x 0.04669; 1000 Genomes Project 0.04473; gnomAD exomes 0.05797; gnomAD 0.03272 and 0.03476.
gnomAD v4.1: 56,771 of 1,614,064 alleles (3.5%); highest among the groups gnomAD compares: Admixed American, 20%; 2,358 homozygotes.

Submission:

Immunobiology Lab; University of Kashmir
No classification provided. Condition: Carcinoma of colon. Review status: no classification provided. Collection method: not provided. Allele origin: somatic.
ClinVar note: Converted during submission from untested to not provided.